The following is an entry in ClinVar:

ClinVar aggregate classification (germline): Uncertain significance (1 of 4 stars; one submission).

Conditions:
Malignant hyperthermia, susceptibility to, 5 (MHS5). Also called: CACNA1S-Related Malignant Hyperthermia Susceptibility. Identifiers: Orphanet 423, MedGen C1866077, MONDO:0011163, OMIM 601887.
Hypokalemic periodic paralysis, type 1. Also called: HypoPP; Hypokalemic Periodic Paralysis Type 1 (AD). Identifiers: Orphanet 681, MedGen C3714580, MONDO:0042979, OMIM 170400.

gnomAD v4.1: 2 of 1,614,194 alleles (0.00012%); highest among the groups gnomAD compares: Non-Finnish European, 0.00017%; no homozygotes.

Submission:

Labcorp Genetics (formerly Invitae), Labcorp
Classification: Uncertain significance for Hypokalemic periodic paralysis, type 1; Malignant hyperthermia, susceptibility to, 5. Last evaluated: 2025-09-16. Review status: criteria provided, single submitter. Criteria: Invitae Variant Classification Sherloc (09022015). Collection method: clinical testing. Allele origin: germline.
Comment: This sequence change replaces isoleucine, which is neutral and non-polar, with valine, which is neutral and non-polar, at codon 1059 of the CACNA1S protein (p.Ile1059Val). This variant is present in population databases (rs769318222, gnomAD 0.002%). This variant has not been reported in the literature in individuals affected with CACNA1S-related conditions. Invitae Evidence Modeling of protein sequence and biophysical properties (such as structural, functional, and spatial information, amino acid conservation, physicochemical variation, residue mobility, and thermodynamic stability) has been performed for this missense variant. However, the output from this modeling did not meet the statistical confidence thresholds required to predict the impact of this variant on CACNA1S protein function. In summary, the available evidence is currently insufficient to determine the role of this variant in disease. Therefore, it has been classified as a Variant of Uncertain Significance.

NM_000069.3(CACNA1S):c.3175A>G (p.Ile1059Val)

Gene: CACNA1S (calcium voltage-gated channel subunit alpha1 S; minus strand). Cytogenetic location: 1q32.1.
Variant type: single nucleotide variant.
Coding change: c.3175A>G on transcript NM_000069.3 (MANE Select); coding-DNA position 3175, A replaced by G.
Protein change: p.Ile1059Val; replaces isoleucine 1059 with valine.
Molecular consequence: missense variant.
Genome position (GRCh38, 1-based): chr1:201,061,347, T>C on the plus strand (A>G on the coding strand, the complement: CACNA1S is on the minus strand). VCF-style: chr1-201061347-T-C. GRCh37 (hg19) VCF-style: chr1-201030475-T-C.
Other names: short protein forms I1059V.
Identifiers: ClinVar variation 4789029 (VCV004789029.1).